The following is an entry in ClinVar:

NM_182548.4(LHFPL5):c.214G>A (p.Val72Met)

Gene: LHFPL5 (LHFPL tetraspan subfamily member 5; plus strand). Cytogenetic location: 6p21.31.
Variant type: single nucleotide variant.
Coding change: c.214G>A on transcript NM_182548.4 (MANE Select); coding-DNA position 214, G replaced by A.
Protein change: p.Val72Met; replaces valine 72 with methionine.
Molecular consequence: missense variant.
Genome position (GRCh38, 1-based): chr6:35,805,884, G>A. VCF-style: chr6-35805884-G-A. GRCh37 (hg19) VCF-style: chr6-35773661-G-A.
Other names: short protein forms V72M.
Identifiers: ClinVar variation 163856 (VCV000163856.5), dbSNP rs727503133, ClinGen allele CA176570.

ClinVar aggregate classification (germline): Uncertain significance (1 of 4 stars; one submission).

Allele frequency attached by ClinVar (database versions not stated): gnomAD exomes below 0.00001.
gnomAD v4.1: 2 of 1,614,196 alleles (0.00012%); highest among the groups gnomAD compares: Non-Finnish European, 0.00017%; no homozygotes.

Submission:

Laboratory for Molecular Medicine, Mass General Brigham Personalized Medicine
Classification: Uncertain significance. Last evaluated: 2013-10-05. Review status: criteria provided, single submitter. Criteria: LMM Criteria. Collection method: clinical testing. Allele origin: germline. Observed: 1 variant allele.
Comment: The Val72Met variant in LHFPL5 has not been previously identified in individuals with hearing loss or in large population studies. Computational analyses (bioch emical amino acid properties, conservation, AlignGVGD, PolyPhen2, and SIFT) sugg est that the Val72Met variant may not impact the protein, though this informatio n is not predictive enough to rule out pathogenicity. In summary, additional dat a is needed to determine the clinical significance of this variant.